The following is an entry in ClinVar:

ClinVar aggregate classification (germline): Pathogenic (1 of 4 stars; one submission).

Submission:

Labcorp Genetics (formerly Invitae), Labcorp
Classification: Pathogenic. Last evaluated: 2022-05-09. Review status: criteria provided, single submitter. Criteria: Invitae Variant Classification Sherloc (09022015). Collection method: clinical testing. Allele origin: germline.
Comment: This sequence change affects a donor splice site in intron 29 of the ADGRV1 gene. It is expected to disrupt RNA splicing. Variants that disrupt the donor or acceptor splice site typically lead to a loss of protein function (PMID: 16199547), and loss-of-function variants in ADGRV1 are known to be pathogenic (PMID: 19357117, 22135276, 22147658, 26226137, 26667666, 30029497, 32467589). This variant is not present in population databases (gnomAD no frequency). Disruption of this splice site has been observed in individual(s) with Usher syndrome (Invitae). Algorithms developed to predict the effect of sequence changes on RNA splicing suggest that this variant may disrupt the consensus splice site. For these reasons, this variant has been classified as Pathogenic.

Literature cited by the submitters: PubMed 16199547; PubMed 19357117; PubMed 22135276; PubMed 22147658; PubMed 26226137; PubMed 26667666; PubMed 30029497; PubMed 32467589.

NM_032119.4(ADGRV1):c.6490+1G>A

Gene: ADGRV1 (adhesion G protein-coupled receptor V1; plus strand). Cytogenetic location: 5q14.3.
Variant type: single nucleotide variant.
Coding change: c.6490+1G>A on transcript NM_032119.4 (MANE Select); the canonical splice donor site of the intron after coding-DNA position 6490, G replaced by A.
Molecular consequence: splice donor variant.
Genome position (GRCh38, 1-based): chr5:90,685,996, G>A. VCF-style: chr5-90685996-G-A. GRCh37 (hg19) VCF-style: chr5-89981813-G-A.
Identifiers: ClinVar variation 2135952 (VCV002135952.4), dbSNP rs1052814686, ClinGen allele CA122796481.